The following is an entry in ClinVar:

ClinVar aggregate classification (germline): Uncertain significance. Review status: criteria provided, multiple submitters, no conflicts (2 of 4 stars). 4 submissions from 4 submitters: Uncertain significance (4). Last evaluated 2025-11-08.

Conditions:
ALAS2-related disorder. Also called: ALAS2-related condition.

Allele frequency attached by ClinVar (database versions not stated): ESP Exome Variant Server 0.00009.
gnomAD v4.1: 54 of 1,209,885 alleles (0.0045%); highest among the groups gnomAD compares: African/African-American, 0.0035%; no homozygotes.

Submissions (4):

Labcorp Genetics (formerly Invitae), Labcorp
Classification: Uncertain significance. Last evaluated: 2025-11-08. Review status: criteria provided, single submitter. Criteria: Invitae Variant Classification Sherloc (09022015). Collection method: clinical testing. Allele origin: germline.
Comment: This sequence change replaces alanine, which is neutral and non-polar, with threonine, which is neutral and polar, at codon 282 of the ALAS2 protein (p.Ala282Thr). This variant is present in population databases (rs368251919, gnomAD 0.02%). This variant has not been reported in the literature in individuals affected with ALAS2-related conditions. ClinVar contains an entry for this variant (Variation ID: 2636048). Invitae Evidence Modeling of protein sequence and biophysical properties (such as structural, functional, and spatial information, amino acid conservation, physicochemical variation, residue mobility, and thermodynamic stability) has been performed for this missense variant. However, the output from this modeling did not meet the statistical confidence thresholds required to predict the impact of this variant on ALAS2 protein function. In summary, the available evidence is currently insufficient to determine the role of this variant in disease. Therefore, it has been classified as a Variant of Uncertain Significance.

Mayo Clinic Laboratories, Mayo Clinic
Classification: Uncertain significance. Last evaluated: 2025-06-27. Review status: criteria provided, single submitter. Criteria: ACMG Guidelines, 2015. Collection method: clinical testing. Allele origin: germline. Observed: 1 variant allele.
Comment: PP3

PreventionGenetics, part of Exact Sciences
Classification: Uncertain significance for ALAS2-related condition. Last evaluated: 2023-04-01. Review status: criteria provided, single submitter. Criteria: ACMG Guidelines, 2015. Collection method: clinical testing. Allele origin: germline.
Comment: The ALAS2 c.844G>A variant is predicted to result in the amino acid substitution p.Ala282Thr. To our knowledge, this variant has not been reported in the literature. This variant is reported in 0.021% of alleles in individuals of European (Finnish) descent in gnomAD. At this time, the clinical significance of this variant is uncertain due to the absence of conclusive functional and genetic evidence.

Revvity Omics, Revvity
Classification: Uncertain significance. Last evaluated: 2022-03-22. Review status: criteria provided, single submitter. Criteria: ACMG Guidelines, 2015. Collection method: clinical testing. Allele origin: germline.

NM_000032.5(ALAS2):c.844G>A (p.Ala282Thr)

Gene: ALAS2 (5'-aminolevulinate synthase 2; minus strand). Cytogenetic location: Xp11.21.
Variant type: single nucleotide variant.
Coding change: c.844G>A on transcript NM_000032.5 (MANE Select); coding-DNA position 844, G replaced by A.
Protein change: p.Ala282Thr; replaces alanine 282 with threonine.
Molecular consequence: missense variant.
Genome position (GRCh38, 1-based): chrX:55,017,645, C>T on the plus strand (G>A on the coding strand, the complement: ALAS2 is on the minus strand). VCF-style: chrX-55017645-C-T. GRCh37 (hg19) VCF-style: chrX-55044078-C-T.
Other names: p.Ala282Thr; c.733G>A, p.Ala245Thr (NM_001037967.4); c.805G>A, p.Ala269Thr (NM_001037968.4); short protein forms A245T, A269T, A282T.
Identifiers: ClinVar variation 2636048 (VCV002636048.6), dbSNP rs368251919, ClinGen allele CA10428370.